The following is an entry in ClinVar:

ClinVar aggregate classification (germline): Benign (1 of 4 stars; one submission).

Submission:

GeneDx
Classification: Benign. Last evaluated: 2018-06-16. Review status: criteria provided, single submitter. Criteria: GeneDx Variant Classification (06012015). Collection method: clinical testing. Allele origin: germline. Affected: yes.
Comment: This variant is considered likely benign or benign based on one or more of the following criteria: it is a conservative change, it occurs at a poorly conserved position in the protein, it is predicted to be benign by multiple in silico algorithms, and/or has population frequency not consistent with disease.

NM_004006.3(DMD):c.6913-3840_6913-3839insCA

Gene: DMD (dystrophin; minus strand). Cytogenetic location: Xp21.1.
Variant type: Insertion.
Coding change: c.6913-3840_6913-3839insCA on transcript NM_004006.3 (MANE Select); 3840 bases into the intron before coding-DNA position 6913 through 3839 bases into the intron before coding-DNA position 6913, CA inserted.
Molecular consequence: intron variant.
Genome position: GRCh38 VCF-style: chrX-31879212-G-GGT. GRCh37 (hg19) VCF-style: chrX-31897329-G-GGT.
Other names: c.6889-3840_6889-3839insCA (NM_000109.4); c.2890-3840_2890-3839insCA (NM_004011.4); c.2881-3840_2881-3839insCA (NM_004012.4); c.-468-3840_-468-3839insCA (NM_004023.3, NM_004020.4, NM_004022.3 and 2 more transcripts); c.6901-3840_6901-3839insCA (NM_004009.3); c.6544-3840_6544-3839insCA (NM_004010.3).
Identifiers: ClinVar variation 671473 (VCV000671473.1), dbSNP rs1556965861, ClinGen allele CA328483427.